The following is an entry in ClinVar:

NM_004656.4(BAP1):c.932-2A>G

Gene: BAP1 (BRCA1 associated deubiquitinase 1; minus strand). Cytogenetic location: 3p21.1.
Variant type: single nucleotide variant.
Coding change: c.932-2A>G on transcript NM_004656.4 (MANE Select); the canonical splice acceptor site of the intron before coding-DNA position 932, A replaced by G.
Molecular consequence: splice acceptor variant.
Genome position (GRCh38, 1-based): chr3:52,405,296, T>C on the plus strand (A>G on the coding strand, the complement: BAP1 is on the minus strand). VCF-style: chr3-52405296-T-C. GRCh37 (hg19) VCF-style: chr3-52439312-T-C.
Other names: c.878-2A>G (NM_001410772.1).
Identifiers: ClinVar variation 1766573 (VCV001766573.3), dbSNP rs112194987, ClinGen allele CA74742694.

ClinVar aggregate classification (germline): Likely pathogenic. Review status: criteria provided, multiple submitters, no conflicts (2 of 4 stars). 2 submissions from 2 submitters: Likely pathogenic (2). Last evaluated 2026-02-10.

Conditions:
Hereditary cancer-predisposing syndrome. Also called: Tumor predisposition; Hereditary Cancer Syndrome; Hereditary neoplastic syndrome; Neoplastic Syndromes, Hereditary. Identifiers: Orphanet 140162, MedGen C0027672, MeSH D009386, MONDO:0015356.
BAP1-related tumor predisposition syndrome (TPDS1). Also called: Tumor susceptibility linked to germline BAP1 mutations; COMMON Syndrome; TUMOR PREDISPOSITION SYNDROME 1; BAP1 tumor predisposition syndrome. Identifiers: Orphanet 289539, MedGen C3280492, MONDO:0013692, OMIM 614327.

Submissions (2):

Ambry Genetics
Classification: Likely pathogenic for Hereditary cancer-predisposing syndrome. Last evaluated: 2026-02-10. Review status: criteria provided, single submitter. Criteria: Ambry Variant Classification Scheme 2023. Collection method: clinical testing. Allele origin: germline.
Comment: The c.932-2A>G intronic variant results from an A to G substitution two nucleotides upstream from coding exon 11 in the BAP1 gene. This variant was reported in individual(s) with features consistent with BAP1-related tumor predisposition syndrome (Ambry internal data). This variant is considered to be rare based on population cohorts in the Genome Aggregation Database (gnomAD). This nucleotide position is highly conserved in available vertebrate species. In silico splice site analysis predicts that this alteration will weaken the native splice acceptor site. Variants that disrupt the canonical splice site are expected to cause aberrant splicing, resulting in an abnormal protein or a transcript that is subject to nonsense-mediated mRNA decay. As such, this variant is classified as likely pathogenic.

Myriad Genetics, Inc.
Classification: Likely pathogenic for BAP1-related tumor predisposition syndrome. Last evaluated: 2024-02-08. Review status: criteria provided, single submitter. Criteria: Myriad Autosomal Dominant, Autosomal Recessive and X-Linked Classification Criteria (2023). Collection method: clinical testing. Allele origin: unknown.
Comment: This variant is considered likely pathogenic. This variant occurs within a consensus splice junction and is predicted to result in abnormal mRNA splicing of either an out-of-frame exon or an in-frame exon necessary for protein stability and/or normal function.

Literature cited by the submitters: PubMed 38969833 (cited by Ambry Genetics).